The following is an entry in ClinVar:

NM_001164508.2(NEB):c.23338T>A (p.Ser7780Thr)

Genes: NEB (nebulin; minus strand), RIF1 (replication timing regulatory factor 1; plus strand). Cytogenetic location: 2q23.3.
Variant type: single nucleotide variant.
Coding change: c.23338T>A on transcript NM_001164508.2 (MANE Select); coding-DNA position 23338, T replaced by A.
Protein change: p.Ser7780Thr; replaces serine 7780 with threonine.
Molecular consequence: missense variant.
Genome position (GRCh38, 1-based): chr2:151,512,741, A>T on the plus strand (T>A on the coding strand, the complement: NEB is on the minus strand). VCF-style: chr2-151512741-A-T. GRCh37 (hg19) VCF-style: chr2-152369255-A-T.
Other names: c.23338T>A, p.Ser7780Thr (NM_001164507.2); c.23443T>A, p.Ser7815Thr (NM_001271208.2); c.18235T>A, p.Ser6079Thr (NM_004543.5); short protein forms S7815T, S6079T, S7780T.
Identifiers: ClinVar variation 533996 (VCV000533996.6), dbSNP rs1553614160, ClinGen allele CA348749699.

ClinVar aggregate classification (germline): Uncertain significance (1 of 4 stars; one submission).

Conditions:
Nemaline myopathy 2 (NEM2). Also called: Nemaline myopathy 2, autosomal recessive. Identifiers: MedGen C1850569, MONDO:0009725, OMIM 256030.

Submission:

Labcorp Genetics (formerly Invitae), Labcorp
Classification: Uncertain significance for Nemaline myopathy 2. Last evaluated: 2021-08-31. Review status: criteria provided, single submitter. Criteria: Invitae Variant Classification Sherloc (09022015). Collection method: clinical testing. Allele origin: germline.
Comment: This sequence change replaces serine with threonine at codon 7815 of the NEB protein (p.Ser7815Thr). The serine residue is moderately conserved and there is a small physicochemical difference between serine and threonine. This variant is not present in population databases (ExAC no frequency). This variant has not been reported in the literature in individuals affected with NEB-related conditions. Algorithms developed to predict the effect of missense changes on protein structure and function are either unavailable or do not agree on the potential impact of this missense change (SIFT: "Deleterious"; PolyPhen-2: "Not Available"; Align-GVGD: "Class C0"). In summary, the available evidence is currently insufficient to determine the role of this variant in disease. Therefore, it has been classified as a Variant of Uncertain Significance.